The following is an entry in ClinVar:

ClinVar aggregate classification (germline): Likely pathogenic (1 of 4 stars; one submission).

Allele frequency attached by ClinVar (database versions not stated): ExAC 0.00001.
gnomAD v4.1: 4 of 1,614,012 alleles (0.00025%); highest among the groups gnomAD compares: East Asian, 0.0022%; no homozygotes.

Submission:

Labcorp Genetics (formerly Invitae), Labcorp
Classification: Likely pathogenic. Last evaluated: 2024-07-09. Review status: criteria provided, single submitter. Criteria: Invitae Variant Classification Sherloc (09022015). Collection method: clinical testing. Allele origin: germline.
Comment: This sequence change affects an acceptor splice site in intron 3 of the EMC1 gene. It is expected to disrupt RNA splicing. Variants that disrupt the donor or acceptor splice site typically lead to a loss of protein function (PMID: 16199547), and loss-of-function variants in EMC1 are known to be pathogenic (PMID: 26572623, 26942288, 29271071). This variant is present in population databases (rs751484278, gnomAD 0.003%). Disruption of this splice site has been observed in individual(s) with clinical features of EMC1-related conditions (PMID: 36799557). ClinVar contains an entry for this variant (Variation ID: 2079878). Algorithms developed to predict the effect of sequence changes on RNA splicing suggest that this variant may disrupt the consensus splice site. In summary, the currently available evidence indicates that the variant is pathogenic, but additional data are needed to prove that conclusively. Therefore, this variant has been classified as Likely Pathogenic.

Literature cited by the submitters: PubMed 16199547; PubMed 26572623; PubMed 26942288; PubMed 29271071; PubMed 36799557.

NM_015047.3(EMC1):c.287-1G>C

Gene: EMC1 (ER membrane protein complex subunit 1; minus strand). Cytogenetic location: 1p36.13.
Variant type: single nucleotide variant.
Coding change: c.287-1G>C on transcript NM_015047.3 (MANE Select); the canonical splice acceptor site of the intron before coding-DNA position 287, G replaced by C.
Molecular consequence: splice acceptor variant.
Genome position (GRCh38, 1-based): chr1:19,243,708, C>G on the plus strand (G>C on the coding strand, the complement: EMC1 is on the minus strand). VCF-style: chr1-19243708-C-G. GRCh37 (hg19) VCF-style: chr1-19570202-C-G.
Other names: c.221-1G>C (NM_001271429.2); c.287-1G>C (NM_001271427.2, NM_001375821.1, NM_001271428.2 and 1 more transcripts).
Identifiers: ClinVar variation 2079878 (VCV002079878.4), dbSNP rs751484278, ClinGen allele CA652966.